The following is an entry in ClinVar:

NM_018060.4(IARS2):c.454G>A (p.Gly152Ser)

Gene: IARS2 (isoleucyl-tRNA synthetase 2, mitochondrial; plus strand). Cytogenetic location: 1q41.
Variant type: single nucleotide variant.
Coding change: c.454G>A on transcript NM_018060.4 (MANE Select); coding-DNA position 454, G replaced by A.
Protein change: p.Gly152Ser; replaces glycine 152 with serine.
Molecular consequence: missense variant.
Genome position (GRCh38, 1-based): chr1:220,100,553, G>A. VCF-style: chr1-220100553-G-A. GRCh37 (hg19) VCF-style: chr1-220273895-G-A.
Other names: short protein forms G152S.
Identifiers: ClinVar variation 2639907 (VCV002639907.24), dbSNP rs780373797, ClinGen allele CA1401114.

ClinVar aggregate classification (germline): Uncertain significance (1 of 4 stars; one submission).

Allele frequency attached by ClinVar (database versions not stated): gnomAD exomes 0.00001; ExAC 0.00002.
gnomAD v4.1: 9 of 1,613,240 alleles (0.00056%); highest among the groups gnomAD compares: Non-Finnish European, 0.00076%; no homozygotes.

Submission:

CeGaT Center for Human Genetics Tuebingen
Classification: Uncertain significance. Last evaluated: 2023-07-01. Review status: criteria provided, single submitter. Criteria: CeGaT Center For Human Genetics Tuebingen Variant Classification Criteria Version 2. Collection method: clinical testing. Allele origin: germline. Affected: yes. Observed: 1 variant allele.
Comment: IARS2: PM2